The following is an entry in ClinVar:

NM_032776.3(JMJD1C):c.1028G>A (p.Gly343Asp)

Gene: JMJD1C (jumonji domain containing 1C; minus strand). Cytogenetic location: 10q21.3.
Variant type: single nucleotide variant.
Coding change: c.1028G>A on transcript NM_032776.3 (MANE Select); coding-DNA position 1028, G replaced by A.
Protein change: p.Gly343Asp; replaces glycine 343 with aspartic acid.
Molecular consequence: missense variant. On other transcripts: non-coding transcript variant (1).
Genome position (GRCh38, 1-based): chr10:63,215,139, C>T on the plus strand (G>A on the coding strand, the complement: JMJD1C is on the minus strand). VCF-style: chr10-63215139-C-T. GRCh37 (hg19) VCF-style: chr10-64974899-C-T.
Other names: c.482G>A, p.Gly161Asp (NM_001282948.2, NM_001318154.2); c.164G>A, p.Gly55Asp (NM_001318153.2); c.914G>A, p.Gly305Asp (NM_001322252.2); c.371G>A, p.Gly124Asp (NM_001322254.2, NM_001322258.2); c.1028G>A (NM_032776.1); short protein forms G305D, G124D, G343D, G55D, G161D.
Identifiers: ClinVar variation 947890 (VCV000947890.10), dbSNP rs1847830981, ClinGen allele CA377050728.

ClinVar aggregate classification (germline): Uncertain significance. Review status: criteria provided, multiple submitters, no conflicts (2 of 4 stars). 2 submissions from 2 submitters: Uncertain significance (2). Last evaluated 2025-03-20.

Conditions:
Early Myoclonic Encephalopathy. Identifiers: MedGen C0270855.

Allele frequency attached by ClinVar (database versions not stated): gnomAD exomes below 0.00001.
gnomAD v4.1: 2 of 1,550,814 alleles (0.00013%); highest among the groups gnomAD compares: African/African-American, 0.0014%; no homozygotes.

Submissions (2):

Ambry Genetics
Classification: Uncertain significance. Last evaluated: 2025-03-20. Review status: criteria provided, single submitter. Criteria: Ambry Variant Classification Scheme 2023. Collection method: clinical testing. Allele origin: germline.

Labcorp Genetics (formerly Invitae), Labcorp
Classification: Uncertain significance for Early Myoclonic Encephalopathy. Last evaluated: 2019-04-23. Review status: criteria provided, single submitter. Criteria: Invitae Variant Classification Sherloc (09022015). Collection method: clinical testing. Allele origin: germline.
Comment: This variant is not present in population databases (ExAC no frequency). This sequence change replaces glycine with aspartic acid at codon 343 of the JMJD1C protein (p.Gly343Asp). The glycine residue is weakly conserved and there is a moderate physicochemical difference between glycine and aspartic acid. This variant has not been reported in the literature in individuals with JMJD1C-related conditions. Algorithms developed to predict the effect of missense changes on protein structure and function (SIFT, PolyPhen-2, Align-GVGD) all suggest that this variant is likely to be tolerated, but these predictions have not been confirmed by published functional studies and their clinical significance is uncertain. In summary, the available evidence is currently insufficient to determine the role of this variant in disease. Therefore, it has been classified as a Variant of Uncertain Significance.